The following is an entry in ClinVar:

ClinVar aggregate classification (germline): Pathogenic (1 of 4 stars; one submission).

Conditions:
Spastic paraplegia. Identifiers: MedGen C0037772, HP:0001258.

Submission:

Labcorp Genetics (formerly Invitae), Labcorp
Classification: Pathogenic for Spastic paraplegia. Last evaluated: 2019-11-09. Review status: criteria provided, single submitter. Criteria: Invitae Variant Classification Sherloc (09022015). Collection method: clinical testing. Allele origin: germline.
Comment: For these reasons, this variant has been classified as Pathogenic. Loss-of-function variants in ZFYVE26 are known to be pathogenic (PMID: 18394578, 19805727). This variant has not been reported in the literature in individuals with ZFYVE26-related conditions. This variant is not present in population databases (ExAC no frequency). This sequence change creates a premature translational stop signal (p.Arg1761Thrfs*2) in the ZFYVE26 gene. It is expected to result in an absent or disrupted protein product.

Literature cited by the submitters: PubMed 18394578; PubMed 19805727.

NM_015346.4(ZFYVE26):c.5278_5281dup (p.Arg1761delinsThrTer)

Gene: ZFYVE26 (zinc finger FYVE-type containing 26; minus strand). Cytogenetic location: 14q24.1.
Variant type: Duplication.
Coding change: c.5278_5281dup on transcript NM_015346.4 (MANE Select); coding-DNA positions 5278 to 5281, 4 bases duplicated (CCTA; older notation c.5278_5281dupCCTA).
Protein change: p.Arg1761delinsThrTer.
Molecular consequence: nonsense.
Genome position (GRCh38, 1-based): chr14:67,775,055-67,775,058, TAGG duplicated on the plus strand (CCTA on the coding strand, the reverse complement: ZFYVE26 is on the minus strand). VCF-style (leftmost placement, unchanged base first): chr14-67775054-C-CTAGG. GRCh37 (hg19) VCF-style: chr14-68241771-C-CTAGG.
Identifiers: ClinVar variation 968197 (VCV000968197.7), dbSNP rs2039304656, ClinGen allele CA1139663519.